The following is an entry in ClinVar:

NM_012418.4(FSCN2):c.199C>T (p.Arg67Cys)

Gene: FSCN2 (fascin actin-bundling protein 2, retinal; plus strand). Cytogenetic location: 17q25.3.
Variant type: single nucleotide variant.
Coding change: c.199C>T on transcript NM_012418.4 (MANE Select); coding-DNA position 199, C replaced by T.
Protein change: p.Arg67Cys; replaces arginine 67 with cysteine.
Molecular consequence: missense variant.
Genome position (GRCh38, 1-based): chr17:81,528,730, C>T. VCF-style: chr17-81528730-C-T. GRCh37 (hg19) VCF-style: chr17-79495756-C-T.
Other names: c.199C>T, p.Arg67Cys (NM_001077182.3); short protein forms R67C.
Identifiers: ClinVar variation 3517468 (VCV003517468.3).

ClinVar aggregate classification (germline): Uncertain significance. Review status: criteria provided, multiple submitters, no conflicts (2 of 4 stars). 2 submissions from 2 submitters: Uncertain significance (2). Last evaluated 2025-07-27.

gnomAD v4.1: 13 of 1,594,908 alleles (0.00082%); highest among the groups gnomAD compares: East Asian, 0.0046%; no homozygotes.

Submissions (2):

Labcorp Genetics (formerly Invitae), Labcorp
Classification: Uncertain significance. Last evaluated: 2025-07-27. Review status: criteria provided, single submitter. Criteria: Invitae Variant Classification Sherloc (09022015). Collection method: clinical testing. Allele origin: germline.
Comment: This sequence change replaces arginine, which is basic and polar, with cysteine, which is neutral and slightly polar, at codon 67 of the FSCN2 protein (p.Arg67Cys). The frequency data for this variant in the population databases is considered unreliable, as metrics indicate poor data quality at this position in the gnomAD database. This variant has not been reported in the literature in individuals affected with FSCN2-related conditions. ClinVar contains an entry for this variant (Variation ID: 3517468). An algorithm developed to predict the effect of missense changes on protein structure and function (PolyPhen-2) suggests that this variant is likely to be disruptive. In summary, the available evidence is currently insufficient to determine the role of this variant in disease. Therefore, it has been classified as a Variant of Uncertain Significance.

Ambry Genetics
Classification: Uncertain significance. Last evaluated: 2024-06-26. Review status: criteria provided, single submitter. Criteria: Ambry Variant Classification Scheme 2023. Collection method: clinical testing. Allele origin: germline.